The following is an entry in ClinVar:

ClinVar aggregate classification (germline): Uncertain significance (1 of 4 stars; one submission).

Conditions:
TTC21B-related disorder. Also called: TTC21B-related condition; TTC21B-related disorders.

gnomAD v4.1: 1 of 1,613,916 alleles (0.000062%); no homozygotes.

Submission:

PreventionGenetics, part of Exact Sciences
Classification: Uncertain significance for TTC21B-related condition. Last evaluated: 2026-09-14. Review status: criteria provided, single submitter. Criteria: ACMG Guidelines, 2015. Collection method: clinical testing. Allele origin: germline.
Comment: The TTC21B c.620A>C variant is predicted to result in the amino acid substitution p.Asn207Thr. To our knowledge, this variant has not been reported in the literature or in a large population database (gnomAD), indicating this variant is rare. At this time, the clinical significance of this variant is uncertain due to the absence of conclusive functional and genetic evidence.

NM_024753.5(TTC21B):c.620A>C (p.Asn207Thr)

Genes: TTC21B (tetratricopeptide repeat domain 21B; minus strand), TTC21B-AS1 (TTC21B antisense RNA 1; plus strand). Cytogenetic location: 2q24.3.
Variant type: single nucleotide variant.
Coding change: c.620A>C on transcript NM_024753.5 (MANE Select); coding-DNA position 620, A replaced by C.
Protein change: p.Asn207Thr; replaces asparagine 207 with threonine.
Molecular consequence: missense variant.
Genome position (GRCh38, 1-based): chr2:165,941,117, T>G on the plus strand (A>C on the coding strand, the complement: TTC21B is on the minus strand). VCF-style: chr2-165941117-T-G. GRCh37 (hg19) VCF-style: chr2-166797627-T-G.
Other names: short protein forms N207T.
Identifiers: ClinVar variation 4977733 (VCV004977733.1).